The following is an entry in ClinVar:

ClinVar aggregate classification (germline): Uncertain significance (1 of 4 stars; one submission).

Conditions:
Charcot-Marie-Tooth disease axonal type 2P. Also called: CHARCOT-MARIE-TOOTH NEUROPATHY, TYPE 2P; Charcot-Marie-Tooth Neuropathy Type 2G; CHARCOT-MARIE-TOOTH DISEASE, AXONAL, TYPE 2G; CMT 2G. Identifiers: Orphanet 300319, Orphanet 99941, MedGen C3280797, MONDO:0013753, OMIM 614436.

Submission:

Clinical Genomics Laboratory, Washington University in St. Louis
Classification: Uncertain significance for Charcot-Marie-Tooth disease axonal type 2P. Last evaluated: 2023-11-08. Review status: criteria provided, single submitter. Criteria: ACMG Guidelines, 2015. Collection method: clinical testing. Allele origin: germline.
Comment: The LRSAM1 c.-32-3dup intronic variant, to our knowledge, has not been reported in the medical literature and is absent from the general population (gnomAD v.2.1.1), indicating it is not a common variant. Computational predictors indicate that the variant has no impact on splicing, evidence that this variant does not have a damaging effect on LRSAM1 function. Due to limited information, and based on ACMG/AMP guidelines for variant interpretation (Richards S et al., PMID: 25741868), the clinical significance of this variant is uncertain at this time.

NM_001005373.4(LRSAM1):c.-32-3dup

Gene: LRSAM1 (leucine rich repeat and sterile alpha motif containing 1; plus strand). Cytogenetic location: 9q33.3.
Variant type: Duplication.
Coding change: c.-32-3dup on transcript NM_001005373.4 (MANE Select); 3 bases into the intron before 32 bases upstream of the start codon, one base duplicated (C; older notation c.-32-3dupC).
Molecular consequence: intron variant. On other transcripts: 5 prime UTR variant (1).
Genome position (GRCh38, 1-based): chr9:127,454,493, C duplicated; the last of 4 consecutive C bases (chr9:127,454,490-127,454,493); duplicating any one gives the same sequence. VCF-style (leftmost placement, unchanged base first): chr9-127454489-G-GC. GRCh37 (hg19) VCF-style: chr9-130216768-G-GC.
Other names: c.-35dup (NM_001384142.1); c.-32-3dup (NM_138361.5, NM_001384143.1, NM_001190723.3 and 1 more transcripts); c.-816-3dup (NM_001384144.1).
Identifiers: ClinVar variation 3236581 (VCV003236581.1), dbSNP rs1176611059, ClinGen allele CA860184900.